The following is an entry in ClinVar:

NM_000059.4(BRCA2):c.7603T>A (p.Cys2535Ser)

Gene: BRCA2 (BRCA2 DNA repair associated; plus strand). Cytogenetic location: 13q13.1.
Variant type: single nucleotide variant.
Coding change: c.7603T>A on transcript NM_000059.4 (MANE Select); coding-DNA position 7603, T replaced by A.
Protein change: p.Cys2535Ser; replaces cysteine 2535 with serine.
Molecular consequence: missense variant.
Genome position (GRCh38, 1-based): chr13:32,356,595, T>A. VCF-style: chr13-32356595-T-A. GRCh37 (hg19) VCF-style: chr13-32930732-T-A.
Other names: c.7507T>A, p.Cys2503Ser (NM_001406719.1); c.7603T>A, p.Cys2535Ser (NM_001406720.1); c.2671T>A, p.Cys891Ser (NM_001406721.1); c.1186T>A, p.Cys396Ser (NM_001406722.1); short protein forms C2503S, C2535S, C396S, C891S.
Identifiers: ClinVar variation 2102273 (VCV002102273.4), dbSNP rs1555286309, ClinGen allele CA387743964.
Genomic context (GRCh38, chr13:32,356,595, plus strand): 5'-ACATCCACTCTGCCTCGAATCTCTCTGAAAGCAGCAGTAGGAGGCCAAGTTCCCTCTGCG[T>A]GTTCTCATAAACAGGTATGTGTTTGTCTACAATACTGATGGCTTTTATGACAGAGTGTAA-3'
Protein context (NP_000050.3, residues 2525-2545): AAVGGQVPSA[Cys2535Ser]SHKQLYTYGV

ClinVar aggregate classification (germline): Uncertain significance (1 of 4 stars; one submission).

Conditions:
Hereditary breast ovarian cancer syndrome. Also called: Hereditary breast and ovarian cancer; Hereditary breast and ovarian cancer syndrome; Breast and ovarian cancer; BRCA1- and BRCA2-Associated Hereditary Breast and Ovarian Cancer; Hereditary breast and/or ovarian cancer syndrome; Hereditary breast and ovarian cancer syndrome (HBOC). Identifiers: Orphanet 145, MedGen C0677776, MeSH D061325, MONDO:0003582. Disease mechanism: loss of function.

Submission:

Labcorp Genetics (formerly Invitae), Labcorp
Classification: Uncertain significance for Hereditary breast ovarian cancer syndrome. Last evaluated: 2022-06-23. Review status: criteria provided, single submitter. Criteria: Invitae Variant Classification Sherloc (09022015). Collection method: clinical testing. Allele origin: germline.
Comment: In summary, the available evidence is currently insufficient to determine the role of this variant in disease. Therefore, it has been classified as a Variant of Uncertain Significance. Advanced modeling of protein sequence and biophysical properties (such as structural, functional, and spatial information, amino acid conservation, physicochemical variation, residue mobility, and thermodynamic stability) performed at Invitae indicates that this missense variant is not expected to disrupt BRCA2 protein function. This variant has not been reported in the literature in individuals affected with BRCA2-related conditions. This variant is not present in population databases (gnomAD no frequency). This sequence change replaces cysteine, which is neutral and slightly polar, with serine, which is neutral and polar, at codon 2535 of the BRCA2 protein (p.Cys2535Ser).